The following is an entry in ClinVar:

ClinVar aggregate classification (germline): Uncertain significance. Review status: criteria provided, multiple submitters, no conflicts (2 of 4 stars). 2 submissions from 2 submitters: Uncertain significance (2). Last evaluated 2025-11-17.

Conditions:
Inborn genetic diseases. Identifiers: MedGen C0950123, MeSH D030342.

Submissions (2):

Labcorp Genetics (formerly Invitae), Labcorp
Classification: Uncertain significance. Last evaluated: 2025-11-17. Review status: criteria provided, single submitter. Criteria: Invitae Variant Classification Sherloc (09022015). Collection method: clinical testing. Allele origin: germline.
Comment: This sequence change replaces cysteine, which is neutral and slightly polar, with tyrosine, which is neutral and polar, at codon 744 of the CDK5RAP2 protein (p.Cys744Tyr). This variant is not present in population databases (gnomAD no frequency). This variant has not been reported in the literature in individuals affected with CDK5RAP2-related conditions. ClinVar contains an entry for this variant (Variation ID: 2080120). An algorithm developed to predict the effect of missense changes on protein structure and function (PolyPhen-2) suggests that this variant is likely to be disruptive. In summary, the available evidence is currently insufficient to determine the role of this variant in disease. Therefore, it has been classified as a Variant of Uncertain Significance.

Ambry Genetics
Classification: Uncertain significance for Inborn genetic diseases. Last evaluated: 2025-02-26. Review status: criteria provided, single submitter. Criteria: Ambry Variant Classification Scheme 2023. Collection method: clinical testing. Allele origin: germline.

NM_018249.6(CDK5RAP2):c.2231G>A (p.Cys744Tyr)

Gene: CDK5RAP2 (CDK5 regulatory subunit associated protein 2; minus strand). Cytogenetic location: 9q33.2.
Variant type: single nucleotide variant.
Coding change: c.2231G>A on transcript NM_018249.6 (MANE Select); coding-DNA position 2231, G replaced by A.
Protein change: p.Cys744Tyr; replaces cysteine 744 with tyrosine.
Molecular consequence: missense variant. On other transcripts: non-coding transcript variant (5), intron variant (1).
Genome position (GRCh38, 1-based): chr9:120,458,594, C>T on the plus strand (G>A on the coding strand, the complement: CDK5RAP2 is on the minus strand). VCF-style: chr9-120458594-C-T. GRCh37 (hg19) VCF-style: chr9-123220872-C-T.
Other names: c.2231G>A, p.Cys744Tyr (NM_001011649.3); c.2132G>A, p.Cys711Tyr (NM_001410992.1); c.2135G>A, p.Cys712Tyr (NM_001410993.1); c.2228G>A, p.Cys743Tyr (NM_001410994.1); c.2103+9266G>A (NM_001272039.2); c.2231G>A (NM_018249.4); short protein forms C743Y, C712Y, C744Y, C711Y.
Identifiers: ClinVar variation 2080120 (VCV002080120.5), dbSNP rs2036915214, ClinGen allele CA374704142.